The following is an entry in ClinVar:

ClinVar aggregate classification (germline): Uncertain significance. Review status: criteria provided, multiple submitters, no conflicts (2 of 4 stars). 2 submissions from 2 submitters: Uncertain significance (2). Last evaluated 2024-01-29.

Conditions:
Inborn genetic diseases. Identifiers: MedGen C0950123, MeSH D030342.
Curry-Hall syndrome (WAD). Also called: WEYERS ACRODENTAL DYSOSTOSIS. Identifiers: Orphanet 952, MedGen C0457013, MONDO:0008673, OMIM 193530.
Ellis-van Creveld syndrome (EVC). Also called: EVC2-Related Ellis-van Creveld Syndrome; EVC-Related Ellis-van Creveld Syndrome; Chondroectodermal dysplasia; MESOECTODERMAL DYSPLASIA. Identifiers: Orphanet 289, MedGen C0013903, MONDO:0009162, OMIM 225500.

Allele frequency attached by ClinVar (database versions not stated): TOPMed 0.00002; ExAC 0.00003.
gnomAD v4.1: 26 of 1,614,048 alleles (0.0016%); highest among the groups gnomAD compares: Middle Eastern, 0.049%; no homozygotes.

Submissions (2):

Labcorp Genetics (formerly Invitae), Labcorp
Classification: Uncertain significance for Curry-Hall syndrome; Ellis-van Creveld syndrome. Last evaluated: 2024-01-29. Review status: criteria provided, single submitter. Criteria: Invitae Variant Classification Sherloc (09022015). Collection method: clinical testing. Allele origin: germline.
Comment: This sequence change replaces aspartic acid, which is acidic and polar, with glutamic acid, which is acidic and polar, at codon 405 of the EVC2 protein (p.Asp405Glu). This variant is present in population databases (rs775859006, gnomAD 0.02%). This variant has not been reported in the literature in individuals affected with EVC2-related conditions. ClinVar contains an entry for this variant (Variation ID: 2080663). An algorithm developed to predict the effect of missense changes on protein structure and function (PolyPhen-2) suggests that this variant is likely to be disruptive. In summary, the available evidence is currently insufficient to determine the role of this variant in disease. Therefore, it has been classified as a Variant of Uncertain Significance.

Ambry Genetics
Classification: Uncertain significance for Inborn genetic diseases. Last evaluated: 2021-07-09. Review status: criteria provided, single submitter. Criteria: Ambry Variant Classification Scheme 2023. Collection method: clinical testing. Allele origin: germline.

NM_147127.5(EVC2):c.1215T>A (p.Asp405Glu)

Genes: EVC2 (EvC ciliary complex subunit 2; minus strand), LOC126806961 (BRD4-independent group 4 enhancer GRCh37_chr4:5641443-5642642; plus strand). Cytogenetic location: 4p16.2.
Variant type: single nucleotide variant.
Coding change: c.1215T>A on transcript NM_147127.5 (MANE Select); coding-DNA position 1215, T replaced by A.
Protein change: p.Asp405Glu; replaces aspartic acid 405 with glutamic acid.
Molecular consequence: missense variant.
Genome position (GRCh38, 1-based): chr4:5,640,769, A>T on the plus strand (T>A on the coding strand, the complement: EVC2 is on the minus strand). VCF-style: chr4-5640769-A-T. GRCh37 (hg19) VCF-style: chr4-5642496-A-T.
Other names: c.975T>A, p.Asp325Glu (NM_001166136.2); short protein forms D325E, D405E.
Identifiers: ClinVar variation 2080663 (VCV002080663.3), dbSNP rs775859006, ClinGen allele CA2835114.
Genomic context (GRCh38, chr4:5,640,769, plus strand): 5'-CTCTACTTGGGGTGAGAGGTGGCCACTGCTGGTGAGATTTTTCAGCAGAAGGGCAATGAT[A>T]TCCTTGCTGATTTGTGTTCGACAAGCCTCCAGATCTGCATCTGCCCGATTCAGGGTTGCA-3'
Protein context (NP_667338.3, residues 395-415): LEACRTQISK[Asp405Glu]IIALLLKNLT